The following is an entry in ClinVar:

NM_000459.5(TEK):c.1861G>T (p.Ala621Ser)

Gene: TEK (TEK receptor tyrosine kinase; plus strand). Cytogenetic location: 9p21.2.
Variant type: single nucleotide variant.
Coding change: c.1861G>T on transcript NM_000459.5 (MANE Select); coding-DNA position 1861, G replaced by T.
Protein change: p.Ala621Ser; replaces alanine 621 with serine.
Molecular consequence: missense variant.
Genome position (GRCh38, 1-based): chr9:27,197,551, G>T. VCF-style: chr9-27197551-G-T. GRCh37 (hg19) VCF-style: chr9-27197549-G-T.
Other names: c.1732G>T, p.Ala578Ser (NM_001290077.2, NM_001375476.1); c.1420G>T, p.Ala474Ser (NM_001290078.2); c.1861G>T, p.Ala621Ser (NM_001375475.1); short protein forms A474S, A578S, A621S.
Identifiers: ClinVar variation 2265678 (VCV002265678.6), dbSNP rs760595005, ClinGen allele CA5016341.
Genomic context (GRCh38, chr9:27,197,551, plus strand): 5'-CTACTTAACAACTTACATCCCAGGGAGCAGTACGTGGTCCGAGCTAGAGTCAACACCAAG[G>T]CCCAGGGGGAATGGAGTGAAGATCTCACTGCTTGGACCCTTAGTGACAGTAAGTAATTCA-3'
Protein context (NP_000450.3, residues 611-631): YVVRARVNTK[Ala621Ser]QGEWSEDLTA

ClinVar aggregate classification (germline): Uncertain significance. Review status: criteria provided, multiple submitters, no conflicts (2 of 4 stars). 2 submissions from 2 submitters: Uncertain significance (2). Last evaluated 2025-06-18.

Conditions:
Inborn genetic diseases. Identifiers: MedGen C0950123, MeSH D030342.

Allele frequency attached by ClinVar (database versions not stated): ExAC 0.00001; gnomAD 0.00001.

Submissions (2):

Ambry Genetics
Classification: Uncertain significance for Inborn genetic diseases. Last evaluated: 2025-06-18. Review status: criteria provided, single submitter. Criteria: Ambry Variant Classification Scheme 2023. Collection method: clinical testing. Allele origin: germline.

Labcorp Genetics (formerly Invitae), Labcorp
Classification: Uncertain significance. Last evaluated: 2023-08-07. Review status: criteria provided, single submitter. Criteria: Invitae Variant Classification Sherloc (09022015). Collection method: clinical testing. Allele origin: germline.
Comment: The frequency data for this variant in the population databases is considered unreliable, as metrics indicate poor data quality at this position in the gnomAD database. This sequence change replaces alanine, which is neutral and non-polar, with serine, which is neutral and polar, at codon 621 of the TEK protein (p.Ala621Ser). This variant has not been reported in the literature in individuals affected with TEK-related conditions. ClinVar contains an entry for this variant (Variation ID: 2265678). Advanced modeling of protein sequence and biophysical properties (such as structural, functional, and spatial information, amino acid conservation, physicochemical variation, residue mobility, and thermodynamic stability) performed at Invitae indicates that this missense variant is not expected to disrupt TEK protein function. In summary, the available evidence is currently insufficient to determine the role of this variant in disease. Therefore, it has been classified as a Variant of Uncertain Significance.